The following is an entry in ClinVar:

NM_002150.3(HPD):c.6G>A (p.Thr2=)

Genes: HPD (4-hydroxyphenylpyruvate dioxygenase; minus strand), TIALD (transcript inducer of AURKA lysosomal degradation; plus strand). Cytogenetic location: 12q24.31.
Variant type: single nucleotide variant.
Coding change: c.6G>A on transcript NM_002150.3 (MANE Select); coding-DNA position 6, G replaced by A.
Protein change: p.Thr2=; no amino-acid change (threonine 2 retained).
Molecular consequence: synonymous variant. On other transcripts: 5 prime UTR variant (1).
Genome position (GRCh38, 1-based): chr12:121,858,711, C>T on the plus strand (G>A on the coding strand, the complement: HPD is on the minus strand). VCF-style: chr12-121858711-C-T. GRCh37 (hg19) VCF-style: chr12-122296617-C-T.
Other names: c.-112G>A (NM_001171993.2); c.6G>A (NM_002150.2).
Identifiers: ClinVar variation 2932256 (VCV002932256.5), dbSNP rs377475703, ClinGen allele CA6839891.

ClinVar aggregate classification (germline): Likely benign. Review status: criteria provided, single submitter (1 of 4 stars). 2 submissions from 2 submitters: Likely benign (1). 1 of the submissions does not count toward it. Last evaluated 2024-02-19.

Conditions:
Hawkinsinuria. Identifiers: Orphanet 2118, MedGen C2931042, MONDO:0007700, OMIM 140350, HP:0034457.
Tyrosinemia type III. Also called: Tyrosinemia type 3; 4-alpha hydroxyphenylpyruvic acid oxidase deficiency; 4-alpha hydroxyphenylpyruvate dioxygenase deficiency; 4-Hydroxyphenylpyruvate dioxygenase deficiency; 4-HYDROXYPHENYLPYRUVIC ACID OXIDASE DEFICIENCY. Identifiers: Orphanet 69723, MedGen C0268623, MONDO:0010162, OMIM 276710.
HPD-related disorder. Also called: HPD-related condition.

Allele frequency attached by ClinVar (database versions not stated): gnomAD exomes 0.00001; TOPMed 0.00001; ExAC 0.00002; gnomAD 0.00002; ESP Exome Variant Server 0.00008; 1000 Genomes Project 30x 0.00016; 1000 Genomes Project 0.00020.
gnomAD v4.1: 20 of 1,614,062 alleles (0.0012%); highest among the groups gnomAD compares: Admixed American, 0.0017%; no homozygotes.

Submissions (2):

Labcorp Genetics (formerly Invitae), Labcorp
Classification: Likely benign for Tyrosinemia type III; Hawkinsinuria. Last evaluated: 2024-02-19. Review status: criteria provided, single submitter. Criteria: Invitae Variant Classification Sherloc (09022015). Collection method: clinical testing. Allele origin: germline.

PreventionGenetics, part of Exact Sciences
Classification: Likely benign for HPD-related condition. Last evaluated: 2019-07-11. Review status: no assertion criteria provided. Collection method: clinical testing. Allele origin: germline. Not counted in ClinVar's aggregate classification.
Comment: This variant is classified as likely benign based on ACMG/AMP sequence variant interpretation guidelines (Richards et al. 2015 PMID: 25741868, with internal and published modifications).